The following is an entry in ClinVar:

NM_001130009.3(GEN1):c.1103A>T (p.Asn368Ile)

Gene: GEN1 (GEN1 Holliday junction 5' flap endonuclease; plus strand). Cytogenetic location: 2p24.2.
Variant type: single nucleotide variant.
Coding change: c.1103A>T on transcript NM_001130009.3 (MANE Select); coding-DNA position 1103, A replaced by T.
Protein change: p.Asn368Ile; replaces asparagine 368 with isoleucine.
Molecular consequence: missense variant.
Genome position (GRCh38, 1-based): chr2:17,774,302, A>T. VCF-style: chr2-17774302-A-T. GRCh37 (hg19) VCF-style: chr2-17955569-A-T.
Other names: c.1103A>T, p.Asn368Ile (NM_182625.5); short protein forms N368I.
Identifiers: ClinVar variation 4029254 (VCV004029254.1).

ClinVar aggregate classification (germline): Uncertain significance (1 of 4 stars; one submission).

gnomAD v4.1: 3 of 1,586,822 alleles (0.00019%); highest among the groups gnomAD compares: Non-Finnish European, 0.00026%; no homozygotes.

Submission:

Ambry Genetics
Classification: Uncertain significance. Last evaluated: 2025-04-20. Review status: criteria provided, single submitter. Criteria: Ambry Variant Classification Scheme 2023. Collection method: clinical testing. Allele origin: germline.
Comment: The p.N368I variant (also known as c.1103A>T), located in coding exon 10 of the GEN1 gene, results from an A to T substitution at nucleotide position 1103. The asparagine at codon 368 is replaced by isoleucine, an amino acid with dissimilar properties. This amino acid position is conserved. In addition, this alteration is predicted to be tolerated by in silico analysis. Based on the available evidence, the clinical significance of this variant remains unclear.